The following is an entry in ClinVar:

ClinVar aggregate classification (germline): Benign (1 of 4 stars; one submission).

Allele frequency attached by ClinVar (database versions not stated): 1000 Genomes Project 0.00359; 1000 Genomes Project 30x 0.00359.
gnomAD v4.1: 1,122 of 152,248 alleles (0.74%); highest among the groups gnomAD compares: Non-Finnish European, 1.2%; 4 homozygotes.

Submission:

CeGaT Center for Human Genetics Tuebingen
Classification: Benign. Last evaluated: 2026-07-01. Review status: criteria provided, single submitter. Criteria: CeGaT Center For Human Genetics Tuebingen Variant Classification Criteria Version 2. Collection method: clinical testing. Allele origin: germline. Affected: yes. Observed: 18 variant alleles.
Comment: PDGFB: BS1, BS2

NM_002608.4(PDGFB):c.63+356C>G

Gene: PDGFB (platelet derived growth factor subunit B; minus strand). Cytogenetic location: 22q13.1.
Variant type: single nucleotide variant.
Coding change: c.63+356C>G on transcript NM_002608.4 (MANE Select); 356 bases into the intron after coding-DNA position 63, C replaced by G.
Molecular consequence: intron variant.
Genome position (GRCh38, 1-based): chr22:39,243,545, G>C on the plus strand (C>G on the coding strand, the complement: PDGFB is on the minus strand). VCF-style: chr22-39243545-G-C. GRCh37 (hg19) VCF-style: chr22-39639550-G-C.
Identifiers: ClinVar variation 1879559 (VCV001879559.28), dbSNP rs147322884, ClinGen allele CA324369053.